The following is an entry in ClinVar:

NM_000321.3(RB1):c.76C>G (p.Pro26Ala)

Gene: RB1 (RB transcriptional corepressor 1; plus strand). Cytogenetic location: 13q14.2.
Variant type: single nucleotide variant.
Coding change: c.76C>G on transcript NM_000321.3 (MANE Select); coding-DNA position 76, C replaced by G.
Protein change: p.Pro26Ala; replaces proline 26 with alanine.
Molecular consequence: missense variant.
Genome position (GRCh38, 1-based): chr13:48,303,988, C>G. VCF-style: chr13-48303988-C-G. GRCh37 (hg19) VCF-style: chr13-48878124-C-G.
Other names: c.76C>G, p.Pro26Ala (NM_001407165.1, NM_001407166.1, NM_001407167.1); short protein forms P26A.
Identifiers: ClinVar variation 3387550 (VCV003387550.2).

ClinVar aggregate classification (germline): Uncertain significance. Review status: criteria provided, multiple submitters, no conflicts (2 of 4 stars). 2 submissions from 2 submitters: Uncertain significance (2). Last evaluated 2026-06-10.

Conditions:
Hereditary cancer-predisposing syndrome. Also called: Neoplastic Syndromes, Hereditary; Tumor predisposition; Hereditary Cancer Syndrome; Hereditary neoplastic syndrome. Identifiers: Orphanet 140162, MedGen C0027672, MeSH D009386, MONDO:0015356.
Retinoblastoma (RB1). Also called: RETINOBLASTOMA, SOMATIC. Identifiers: Orphanet 790, MedGen C0035335, MeSH D012175, MONDO:0008380, OMIM 180200, HP:0009919. Disease mechanism: loss of function. Inheritance: Both sporadic and heritable forms are tested..

Submissions (2):

Ambry Genetics
Classification: Uncertain significance for Hereditary cancer-predisposing syndrome. Last evaluated: 2026-06-10. Review status: criteria provided, single submitter. Criteria: Ambry Variant Classification Scheme 2023. Collection method: clinical testing. Allele origin: germline.
Comment: The p.P26A variant (also known as c.76C>G), located in coding exon 1 of the RB1 gene, results from a C to G substitution at nucleotide position 76. The proline at codon 26 is replaced by alanine, an amino acid with highly similar properties. This amino acid position is conserved. In addition, the in silico prediction for this alteration is inconclusive. Based on the available evidence, the clinical significance of this variant remains unclear.

All of Us Research Program, National Institutes of Health
Classification: Uncertain significance for Retinoblastoma. Last evaluated: 2024-04-25. Review status: criteria provided, single submitter. Criteria: ACMG Guidelines, 2015. Collection method: clinical testing. Allele origin: germline. Inheritance: Autosomal dominant inheritance. Observed: 1 variant allele, 1 heterozygote.
Comment: This missense variant replaces proline with alanine at codon 26 of the RB1 protein. Computational prediction suggests that this variant may not impact protein structure and function (internally defined REVEL score threshold <= 0.5, PMID: 27666373). To our knowledge, functional studies have not been reported for this variant. This variant has not been reported in individuals affected with RB1-related disorders in the literature. This variant has not been identified in the general population by the Genome Aggregation Database (gnomAD). The available evidence is insufficient to determine the role of this variant in disease conclusively. Therefore, this variant is classified as a Variant of Uncertain Significance.

This study involves interpretation of variants in research participants for the purpose of population health screening. Participant phenotype was not available at the time of variant classification. Additional details can be found in publication PMID: 35346344, PMCID: PMC8962531